The following is an entry in ClinVar:

NM_000284.4(PDHA1):c.900-12_920dup

Gene: PDHA1 (pyruvate dehydrogenase E1 subunit alpha 1; plus strand). Cytogenetic location: Xp22.12.
Variant type: Duplication.
Coding change: c.900-12_920dup on transcript NM_000284.4 (MANE Select); 12 bases into the intron before coding-DNA position 900 through coding-DNA position 920, 33 bases duplicated.
Molecular consequence: splice acceptor variant.
Genome position (GRCh38, 1-based): chrX:19,358,904-19,358,936, 33 bases duplicated; duplicating any 33 consecutive bases within chrX:19,358,903-19,358,936 gives the same sequence; the c. name uses the placement nearest the transcript's 3' end. GRCh37 (hg19): chrX:19,377,022-19,377,054.
Other names: c.1014-12_1034dup (NM_001173454.2); c.921-12_941dup (NM_001173455.2); c.807-12_827dup (NM_001173456.2).
Identifiers: ClinVar variation 4070390 (VCV004070390.1).

ClinVar aggregate classification (germline): Likely pathogenic (0 of 4 stars; one submission).

Conditions:
Pyruvate dehydrogenase E1-alpha deficiency (PDHAD). Also called: ATAXIA, INTERMITTENT, WITH PYRUVATE DEHYDROGENASE DEFICIENCY; ATAXIA WITH LACTIC ACIDOSIS I; ATAXIA, INTERMITTENT, WITH ABNORMAL PYRUVATE METABOLISM; Ataxia, intermittent, with pyruvate dehydrogenase, or decarboxylase, deficiency. Identifiers: Orphanet 79243, MedGen C1839413, MONDO:0010717, OMIM 312170.

Submission:

PDHA1 Study Group, University Children’s Hospital, Paracelsus Medical University
Classification: Likely pathogenic for Pyruvate dehydrogenase E1-alpha deficiency. Last evaluated: 2024-10-15. Review status: no assertion criteria provided. Collection method: research. Allele origin: germline. Affected: yes. Observed: 1 variant allele.
Comment: The NM_000284.3:c.900-12_920dup (p.?) variant affects splicing in PDHA1 gene. The variant has been reported in 1 published case (PMIDs: 7545958). Last literature search: July 12, 2024. This variant is absent or extremely rare in population-based cohorts in the Genome Aggregation Database (gnomAD). Individuals harboring this variant presented with clinical features compatible with PDHA1-related PDHc deficiency. In summary, this variant meets criteria to be classified as likely pathogenic (LP) for PDHA1-related PDHc deficiency based on the ACMG/AMP criteria applied: PS3, PM2, PM7, PP3 (last assessment October 15, 2024).

Literature cited by the submitters: PubMed 7545958; DOI 10.1093/brain/awaf430.